The following is an entry in ClinVar:

NM_017662.5(TRPM6):c.3486G>A (p.Met1162Ile)

Gene: TRPM6 (transient receptor potential cation channel subfamily M member 6; minus strand). Cytogenetic location: 9q21.13.
Variant type: single nucleotide variant.
Coding change: c.3486G>A on transcript NM_017662.5 (MANE Select); coding-DNA position 3486, G replaced by A.
Protein change: p.Met1162Ile; replaces methionine 1162 with isoleucine.
Molecular consequence: missense variant.
Genome position (GRCh38, 1-based): chr9:74,771,753, C>T on the plus strand (G>A on the coding strand, the complement: TRPM6 is on the minus strand). VCF-style: chr9-74771753-C-T. GRCh37 (hg19) VCF-style: chr9-77386669-C-T.
Other names: c.3471G>A, p.Met1157Ile (NM_001177310.2, NM_001177311.2); short protein forms M1162I, M1157I.
Identifiers: ClinVar variation 913331 (VCV000913331.9), dbSNP rs139669465, ClinGen allele CA5084266.

ClinVar aggregate classification (germline): Benign/Likely benign. Review status: criteria provided, multiple submitters, no conflicts (2 of 4 stars). 3 submissions from 3 submitters: Benign (2); Likely benign (1). Last evaluated 2025-12-01.

Conditions:
Intestinal hypomagnesemia 1. Also called: HYPOMAGNESEMIA, INTESTINAL, WITH SECONDARY HYPOCALCEMIA; HYPOMAGNESEMIC TETANY. Identifiers: Orphanet 30924, MedGen C1865974, MONDO:0011176, OMIM 602014.

Allele frequency attached by ClinVar (database versions not stated): gnomAD exomes 0.00023 and 0.00096; gnomAD 0.00028 and 0.00040; TOPMed 0.00046; ExAC 0.00103; 1000 Genomes Project 30x 0.00281; 1000 Genomes Project 0.00319.

Submissions (3):

Labcorp Genetics (formerly Invitae), Labcorp
Classification: Benign. Last evaluated: 2025-12-01. Review status: criteria provided, single submitter. Criteria: Invitae Variant Classification Sherloc (09022015). Collection method: clinical testing. Allele origin: germline.

Blueprint Genetics
Classification: Likely benign. Last evaluated: 2024-07-23. Review status: criteria provided, single submitter. Criteria: ACMG Guidelines, 2015. Collection method: clinical testing. Allele origin: germline.

Illumina Laboratory Services, Illumina
Classification: Benign for Intestinal hypomagnesemia 1. Last evaluated: 2018-01-13. Review status: criteria provided, single submitter. Criteria: ICSL Variant Classification Criteria 13 December 2019. Collection method: clinical testing. Allele origin: germline.
Comment: This variant was observed in the ICSL laboratory as part of a predisposition screen in an ostensibly healthy population. It had not been previously curated by ICSL or reported in the Human Gene Mutation Database (HGMD: prior to June 1st, 2018), and was therefore a candidate for classification through an automated scoring system. Utilizing variant allele frequency, disease prevalence and penetrance estimates, and inheritance mode, an automated score was calculated to assess if this variant is too frequent to cause the disease. Based on the score and internal cut-off values, a variant classified as benign is not then subjected to further curation. The score for this variant resulted in a classification of benign for this disease.